The following is an entry in ClinVar:

NC_000010.10:g.(?_98399836)_(98405338_?)dup

Genes: PIK3AP1 (phosphoinositide-3-kinase adaptor protein 1; minus strand), LOC130004439 (ATAC-STARR-seq lymphoblastoid active region 3829; plus strand). Cytogenetic location: 10q24.1.
Variant type: Duplication.
Identifiers: ClinVar variation 474910 (VCV000474910.10).

ClinVar aggregate classification (germline): Uncertain significance (1 of 4 stars; one submission).

Conditions:
Infantile spasms. Also called: Infantile spasm. Identifiers: MedGen C3887898, HP:0012469.

Submission:

Labcorp Genetics (formerly Invitae), Labcorp
Classification: Uncertain significance for Infantile spasms. Last evaluated: 2020-01-27. Review status: criteria provided, single submitter. Criteria: Invitae Variant Classification Sherloc (09022015). Collection method: clinical testing. Allele origin: germline.
Comment: In summary, the available evidence is currently insufficient to determine the role of this variant in disease. Therefore, it has been classified as a Variant of Uncertain Significance. This duplication has not been reported in the literature in individuals with PIK3AP1-related disease. This variant is a gross duplication of the genomic region encompassing most of exon 8 of the PIK3AP1 gene, including the exon 8-intron 8 boundary (c.1267_1375+5394dup). The duplicated copy of this region is in tandem and the effect of this variant on RNA splicing and protein translation is unknown.